The following is an entry in ClinVar:

ClinVar aggregate classification (germline): Likely pathogenic (1 of 4 stars; one submission).

Conditions:
Spongy degeneration of central nervous system. Also called: ACY2 DEFICIENCY; AMINOACYLASE 2 DEFICIENCY; ASP DEFICIENCY; ASPA DEFICIENCY; ASPARTOACYLASE DEFICIENCY; CANAVAN-VAN BOGAERT-BERTRAND DISEASE. Identifiers: Orphanet 141, MedGen C0206307, MONDO:0010079, OMIM 271900.

Submission:

Natera, Inc.
Classification: Likely pathogenic for Canavan Disease. Last evaluated: 2025-02-27. Review status: criteria provided, single submitter. Criteria: Natera Variant Classification Schema (03/2026). Collection method: clinical testing. Allele origin: germline.
Comment: The c.615dup variant in ASPA is a frameshift variant predicted to shift the reading frame beginning at codon 206 and leads to a stop codon 6 codons downstream. This variant is expected to result in nonsense mediated decay, truncation, or a dysfunctional protein product. This variant is rare in the general population with a frequency below the threshold expected for the associated phenotype(s). Given the available evidence, this variant is classified as Likely Pathogenic.

NM_000049.4(ASPA):c.615dup (p.Ile206fs)

Genes: ASPA (aspartoacylase; plus strand), SPATA22 (spermatogenesis associated 22; minus strand). Cytogenetic location: 17p13.2.
Variant type: Duplication.
Coding change: c.615dup on transcript NM_000049.4 (MANE Select); coding-DNA position 615, one base duplicated (T; older notation c.615dupT).
Protein change: p.Ile206fs; shifts the reading frame from isoleucine 206.
Molecular consequence: frameshift variant. On other transcripts: intron variant (2).
Genome position (GRCh38, 1-based): chr17:3,489,323, T duplicated; the last of 4 consecutive T bases (chr17:3,489,320-3,489,323); duplicating any one gives the same sequence. VCF-style (leftmost placement, unchanged base first): chr17-3489319-A-AT. GRCh37 (hg19) VCF-style: chr17-3392613-A-AT.
Other names: c.615dup, p.Ile206fs (NM_001128085.1); c.-73-19922dup (NM_001321336.2, NM_001321337.2); short protein forms I206fs.
Identifiers: ClinVar variation 4062246 (VCV004062246.1).